The following is an entry in ClinVar:

NM_001184.4(ATR):c.4540T>C (p.Cys1514Arg)

Gene: ATR (ATR checkpoint kinase; minus strand). Cytogenetic location: 3q23.
Variant type: single nucleotide variant.
Coding change: c.4540T>C on transcript NM_001184.4 (MANE Select); coding-DNA position 4540, T replaced by C.
Protein change: p.Cys1514Arg; replaces cysteine 1514 with arginine.
Molecular consequence: missense variant.
Genome position (GRCh38, 1-based): chr3:142,513,602, A>G on the plus strand (T>C on the coding strand, the complement: ATR is on the minus strand). VCF-style: chr3-142513602-A-G. GRCh37 (hg19) VCF-style: chr3-142232444-A-G.
Other names: c.4540T>C (NM_001184.3); c.4348T>C, p.Cys1450Arg (NM_001354579.2); short protein forms C1450R, C1514R.
Identifiers: ClinVar variation 1063342 (VCV001063342.10), dbSNP rs2108375432, ClinGen allele CA354797069.

ClinVar aggregate classification (germline): Uncertain significance. Review status: criteria provided, multiple submitters, no conflicts (2 of 4 stars). 2 submissions from 2 submitters: Uncertain significance (2). Last evaluated 2023-11-14.

Conditions:
Inborn genetic diseases. Identifiers: MedGen C0950123, MeSH D030342.

Allele frequency attached by ClinVar (database versions not stated): gnomAD exomes below 0.00001.
gnomAD v4.1: 1 of 1,613,744 alleles (0.000062%); highest among the groups gnomAD compares: Non-Finnish European, 0.000085%; no homozygotes.

Submissions (2):

Ambry Genetics
Classification: Uncertain significance for Inborn genetic diseases. Last evaluated: 2023-11-14. Review status: criteria provided, single submitter. Criteria: Ambry Variant Classification Scheme 2023. Collection method: clinical testing. Allele origin: germline.
Comment: The p.C1514R variant (also known as c.4540T>C), located in coding exon 26 of the ATR gene, results from a T to C substitution at nucleotide position 4540. The cysteine at codon 1514 is replaced by arginine, an amino acid with highly dissimilar properties. This amino acid position is conserved. In addition, this alteration is predicted to be deleterious by in silico analysis. Since supporting evidence is limited at this time, the clinical significance of this alteration remains unclear.

Labcorp Genetics (formerly Invitae), Labcorp
Classification: Uncertain significance. Last evaluated: 2022-01-27. Review status: criteria provided, single submitter. Criteria: Invitae Variant Classification Sherloc (09022015). Collection method: clinical testing. Allele origin: germline.
Comment: In summary, the available evidence is currently insufficient to determine the role of this variant in disease. Therefore, it has been classified as a Variant of Uncertain Significance. Algorithms developed to predict the effect of missense changes on protein structure and function are either unavailable or do not agree on the potential impact of this missense change (SIFT: "Tolerated"; PolyPhen-2: "Probably Damaging"; Align-GVGD: "Class C0"). ClinVar contains an entry for this variant (Variation ID: 1063342). This variant has not been reported in the literature in individuals affected with ATR-related conditions. This variant is not present in population databases (gnomAD no frequency). This sequence change replaces cysteine, which is neutral and slightly polar, with arginine, which is basic and polar, at codon 1514 of the ATR protein (p.Cys1514Arg).